The following is an entry in ClinVar:

NM_003412.4(ZIC1):c.1177C>G (p.Pro393Ala)

Gene: ZIC1 (Zic family zinc finger 1; plus strand). Cytogenetic location: 3q24.
Variant type: single nucleotide variant.
Coding change: c.1177C>G on transcript NM_003412.4 (MANE Select); coding-DNA position 1177, C replaced by G.
Protein change: p.Pro393Ala; replaces proline 393 with alanine.
Molecular consequence: missense variant.
Genome position (GRCh38, 1-based): chr3:147,413,384, C>G. VCF-style: chr3-147413384-C-G. GRCh37 (hg19) VCF-style: chr3-147131171-C-G.
Other names: short protein forms P393A.
Identifiers: ClinVar variation 452670 (VCV000452670.3), dbSNP rs1193142978, ClinGen allele CA354898423.

ClinVar aggregate classification (germline): Uncertain significance. Review status: criteria provided, multiple submitters, no conflicts (2 of 4 stars). 2 submissions from 2 submitters: Uncertain significance (2). Last evaluated 2025-12-15.

Conditions:
Inborn genetic diseases. Identifiers: MedGen C0950123, MeSH D030342.

Allele frequency attached by ClinVar (database versions not stated): TOPMed below 0.00001; gnomAD exomes below 0.00001; gnomAD 0.00001.
gnomAD v4.1: 2 of 1,613,874 alleles (0.00012%); highest among the groups gnomAD compares: African/African-American, 0.0013%; no homozygotes.

Submissions (2):

Ambry Genetics
Classification: Uncertain significance for Inborn genetic diseases. Last evaluated: 2025-12-15. Review status: criteria provided, single submitter. Criteria: Ambry Variant Classification Scheme 2023. Collection method: clinical testing. Allele origin: germline.

GeneDx
Classification: Uncertain significance. Last evaluated: 2017-10-20. Review status: criteria provided, single submitter. Criteria: GeneDx Variant Classification (06012015). Collection method: clinical testing. Allele origin: germline. Affected: yes.
Comment: The P393A variant in the ZIC1 gene has not been reported previously as a pathogenic variant, nor as a benign variant, to our knowledge. The P393A variant is observed in 1/8,718 (0.012%) alleles from individuals of African background in large population cohorts (Lek et al., 2016). The P393A variant is a semi-conservative amino acid substitution, which may impact secondary protein structure as these residues differ in some properties. This substitution occurs at a position that is conserved across species. In silico analysis is inconsistent in its predictions as to whether or not the variant is damaging to the protein structure/function. We interpret P393A as a variant of uncertain significance.